The following is an entry in ClinVar:

NM_001395462.2(LUZP1):c.2966C>T (p.Ser989Phe)

Gene: LUZP1 (leucine zipper protein 1; minus strand). Cytogenetic location: 1p36.12.
Variant type: single nucleotide variant.
Coding change: c.2966C>T on transcript NM_001395462.2 (MANE Select); coding-DNA position 2966, C replaced by T.
Protein change: p.Ser989Phe; replaces serine 989 with phenylalanine.
Molecular consequence: missense variant.
Genome position (GRCh38, 1-based): chr1:23,091,296, G>A on the plus strand (C>T on the coding strand, the complement: LUZP1 is on the minus strand). VCF-style: chr1-23091296-G-A. GRCh37 (hg19) VCF-style: chr1-23417789-G-A.
Other names: c.2966C>T, p.Ser989Phe (NM_001142546.4, NM_001395461.1, NM_033631.5); short protein forms S989F.
Identifiers: ClinVar variation 4875503 (VCV004875503.2).

ClinVar aggregate classification (germline): Likely benign (1 of 4 stars; one submission).

gnomAD v4.1: 8 of 1,614,000 alleles (0.0005%); highest among the groups gnomAD compares: Non-Finnish European, 0.00068%; no homozygotes.

Submission:

CeGaT Center for Human Genetics Tuebingen
Classification: Likely benign. Last evaluated: 2026-04-01. Review status: criteria provided, single submitter. Criteria: CeGaT Center For Human Genetics Tuebingen Variant Classification Criteria Version 2. Collection method: clinical testing. Allele origin: germline. Affected: yes. Observed: 1 variant allele.
Comment: LUZP1: BP4